The following is an entry in ClinVar:

NM_014271.4(IL1RAPL1):c.859G>C (p.Glu287Gln)

Gene: IL1RAPL1 (interleukin 1 receptor accessory protein like 1; plus strand). Cytogenetic location: Xp21.2.
Variant type: single nucleotide variant.
Coding change: c.859G>C on transcript NM_014271.4 (MANE Select); coding-DNA position 859, G replaced by C.
Protein change: p.Glu287Gln; replaces glutamic acid 287 with glutamine.
Molecular consequence: missense variant.
Genome position (GRCh38, 1-based): chrX:29,917,544, G>C. VCF-style: chrX-29917544-G-C. GRCh37 (hg19) VCF-style: chrX-29935661-G-C.
Other names: short protein forms E287Q.
Identifiers: ClinVar variation 3528673 (VCV003528673.4).
Genomic context (GRCh38, chrX:29,917,544, plus strand): 5'-TGCAGAGCTTTCTTTGGGTACAGCGGAGATGTCAGTCCTTTAATTTACTGGATGAAAGGA[G>C]AAAAATTTATTGAAGATCTGGATGAAAATCGAGTTTGGGAAAGTGACATTAGGTAATTTT-3'
Protein context (NP_055086.1, residues 277-297): VSPLIYWMKG[Glu287Gln]KFIEDLDENR

ClinVar aggregate classification (germline): Uncertain significance. Review status: criteria provided, multiple submitters, no conflicts (2 of 4 stars). 3 submissions from 3 submitters: Uncertain significance (3). Last evaluated 2025-01-07.

Conditions:
Inborn genetic diseases. Identifiers: MedGen C0950123, MeSH D030342.

gnomAD v4.1: 1 of 1,205,433 alleles (0.000083%); highest among the groups gnomAD compares: Admixed American, 0.0022%; no homozygotes.

Submissions (3):

Labcorp Genetics (formerly Invitae), Labcorp
Classification: Uncertain significance. Last evaluated: 2025-01-07. Review status: criteria provided, single submitter. Criteria: Invitae Variant Classification Sherloc (09022015). Collection method: clinical testing. Allele origin: germline.
Comment: This sequence change replaces glutamic acid, which is acidic and polar, with glutamine, which is neutral and polar, at codon 287 of the IL1RAPL1 protein (p.Glu287Gln). This variant is not present in population databases (gnomAD no frequency). This variant has not been reported in the literature in individuals affected with IL1RAPL1-related conditions. An algorithm developed to predict the effect of missense changes on protein structure and function (PolyPhen-2) suggests that this variant is likely to be disruptive. In summary, the available evidence is currently insufficient to determine the role of this variant in disease. Therefore, it has been classified as a Variant of Uncertain Significance.

Ambry Genetics
Classification: Uncertain significance for Inborn genetic diseases. Last evaluated: 2024-11-12. Review status: criteria provided, single submitter. Criteria: Ambry Variant Classification Scheme 2023. Collection method: clinical testing. Allele origin: germline.

Blueprint Genetics
Classification: Uncertain significance. Last evaluated: 2023-11-14. Review status: criteria provided, single submitter. Criteria: ACMG Guidelines, 2015. Collection method: clinical testing. Allele origin: germline.